The following is an entry in ClinVar:

NM_019032.6(ADAMTSL4):c.2119G>A (p.Ala707Thr)

Genes: ADAMTSL4 (ADAMTS like 4; plus strand), ADAMTSL4-AS2 (ADAMTSL4 antisense RNA 2; minus strand). Cytogenetic location: 1q21.2.
Variant type: single nucleotide variant.
Coding change: c.2119G>A on transcript NM_019032.6 (MANE Select); coding-DNA position 2119, G replaced by A.
Protein change: p.Ala707Thr; replaces alanine 707 with threonine.
Molecular consequence: missense variant.
Genome position (GRCh38, 1-based): chr1:150,557,565, G>A. VCF-style: chr1-150557565-G-A. GRCh37 (hg19) VCF-style: chr1-150530041-G-A.
Other names: c.2002G>A, p.Ala668Thr (NM_001288607.2); c.2188G>A, p.Ala730Thr (NM_001288608.2); c.2119G>A, p.Ala707Thr (NM_001378596.1, NM_025008.5); c.2119G>A (NM_019032.4); short protein forms A707T, A668T, A730T.
Identifiers: ClinVar variation 1472014 (VCV001472014.4), dbSNP rs780562270, ClinGen allele CA1078539.

ClinVar aggregate classification (germline): Uncertain significance. Review status: criteria provided, multiple submitters, no conflicts (2 of 4 stars). 2 submissions from 2 submitters: Uncertain significance (2). Last evaluated 2025-11-03.

Conditions:
Inborn genetic diseases. Identifiers: MedGen C0950123, MeSH D030342.

Allele frequency attached by ClinVar (database versions not stated): gnomAD exomes 0.00003 and 0.00004; gnomAD 0.00004; TOPMed 0.00003; ExAC 0.00004.
gnomAD v4.1: 47 of 1,605,976 alleles (0.0029%); highest among the groups gnomAD compares: South Asian, 0.013%; no homozygotes.

Submissions (2):

Ambry Genetics
Classification: Uncertain significance for Inborn genetic diseases. Last evaluated: 2025-11-03. Review status: criteria provided, single submitter. Criteria: Ambry Variant Classification Scheme 2023. Collection method: clinical testing. Allele origin: germline.

Labcorp Genetics (formerly Invitae), Labcorp
Classification: Uncertain significance. Last evaluated: 2021-09-27. Review status: criteria provided, single submitter. Criteria: Invitae Variant Classification Sherloc (09022015). Collection method: clinical testing. Allele origin: germline.
Comment: This sequence change replaces alanine with threonine at codon 707 of the ADAMTSL4 protein (p.Ala707Thr). The alanine residue is weakly conserved and there is a small physicochemical difference between alanine and threonine. This variant is present in population databases (rs780562270, ExAC 0.02%). This variant has not been reported in the literature in individuals affected with ADAMTSL4-related conditions. Algorithms developed to predict the effect of missense changes on protein structure and function output the following: SIFT: "Tolerated"; PolyPhen-2: "Benign"; Align-GVGD: "Class C0". The threonine amino acid residue is found in multiple mammalian species, which suggests that this missense change does not adversely affect protein function. In summary, the available evidence is currently insufficient to determine the role of this variant in disease. Therefore, it has been classified as a Variant of Uncertain Significance.